The following is an entry in ClinVar:

ClinVar aggregate classification (germline): Likely pathogenic (1 of 4 stars; one submission).

Conditions:
Immunodeficiency, common variable, 7. Identifiers: Orphanet 1572, Orphanet 696894, MedGen C3542922, MONDO:0013862, OMIM 614699.

Submission:

Labcorp Genetics (formerly Invitae), Labcorp
Classification: Likely pathogenic for Immunodeficiency, common variable, 7. Last evaluated: 2025-08-04. Review status: criteria provided, single submitter. Criteria: Invitae Variant Classification Sherloc (09022015). Collection method: clinical testing. Allele origin: germline.
Comment: This sequence change affects an acceptor splice site in intron 7 of the CR2 gene. It is expected to disrupt RNA splicing. Variants that disrupt the donor or acceptor splice site typically lead to a loss of protein function (PMID: 16199547), and loss-of-function variants in CR2 are known to be pathogenic (PMID: 26325596, 28499783). This variant is not present in population databases (gnomAD no frequency). This variant has not been reported in the literature in individuals affected with CR2-related conditions. Algorithms developed to predict the effect of sequence changes on RNA splicing suggest that this variant may disrupt the consensus splice site. In summary, the currently available evidence indicates that the variant is pathogenic, but additional data are needed to prove that conclusively. Therefore, this variant has been classified as Likely Pathogenic.

Literature cited by the submitters: PubMed 16199547; PubMed 26325596; PubMed 28499783.

NM_001006658.3(CR2):c.1403-1G>C

Gene: CR2 (complement C3d receptor 2; plus strand). Cytogenetic location: 1q32.2.
Variant type: single nucleotide variant.
Coding change: c.1403-1G>C on transcript NM_001006658.3 (MANE Select); the canonical splice acceptor site of the intron before coding-DNA position 1403, G replaced by C.
Molecular consequence: splice acceptor variant.
Genome position (GRCh38, 1-based): chr1:207,470,996, G>C. VCF-style: chr1-207470996-G-C. GRCh37 (hg19) VCF-style: chr1-207644341-G-C.
Other names: c.1403-1G>C (NM_001877.5).
Identifiers: ClinVar variation 4781971 (VCV004781971.1).